The following is an entry in ClinVar:

NM_001278064.2(GRM1):c.408G>A (p.Gly136=)

Gene: GRM1 (glutamate metabotropic receptor 1; plus strand). Cytogenetic location: 6q24.3.
Variant type: single nucleotide variant.
Coding change: c.408G>A on transcript NM_001278064.2 (MANE Select); coding-DNA position 408, G replaced by A.
Protein change: p.Gly136=; no amino-acid change (glycine 136 retained).
Molecular consequence: synonymous variant.
Genome position (GRCh38, 1-based): chr6:146,029,925, G>A. VCF-style: chr6-146029925-G-A. GRCh37 (hg19) VCF-style: chr6-146351061-G-A.
Other names: p.Gly136=; c.408G>A, p.Gly136= (NM_001278065.2, NM_001278066.1, NM_001278067.1).
Identifiers: ClinVar variation 729154 (VCV000729154.11), dbSNP rs151118347, ClinGen allele CA4037048.

ClinVar aggregate classification (germline): Benign. Review status: criteria provided, multiple submitters, no conflicts (2 of 4 stars). 3 submissions from 3 submitters: Benign (3). Last evaluated 2026-01-15.

Allele frequency attached by ClinVar (database versions not stated): gnomAD exomes 0.00015; ExAC 0.00047; 1000 Genomes Project 30x 0.00094; 1000 Genomes Project 0.00100; gnomAD 0.00153 and 0.00168; ESP Exome Variant Server 0.00161; TOPMed 0.00178.
gnomAD v4.1: 462 of 1,614,134 alleles (0.029%); highest among the groups gnomAD compares: African/African-American, 0.56%; 1 homozygote.

Submissions (3):

Labcorp Genetics (formerly Invitae), Labcorp
Classification: Benign. Last evaluated: 2026-01-15. Review status: criteria provided, single submitter. Criteria: Invitae Variant Classification Sherloc (09022015). Collection method: clinical testing. Allele origin: germline.

Mayo Clinic Laboratories, Mayo Clinic
Classification: Benign. Last evaluated: 2025-04-15. Review status: criteria provided, single submitter. Criteria: ACMG Guidelines, 2015. Collection method: clinical testing. Allele origin: germline. Observed: 1 variant allele.
Comment: BA1

Athena Diagnostics
Classification: Benign. Last evaluated: 2018-10-30. Review status: criteria provided, single submitter. Criteria: Athena Diagnostics Criteria. Collection method: clinical testing. Allele origin: germline.